The following is an entry in ClinVar:

NM_201384.3(PLEC):c.2276G>A (p.Arg759Gln)

Gene: PLEC (plectin; minus strand). Cytogenetic location: 8q24.3.
Variant type: single nucleotide variant.
Coding change: c.2276G>A on transcript NM_201384.3 (MANE Select); coding-DNA position 2276, G replaced by A.
Protein change: p.Arg759Gln; replaces arginine 759 with glutamine.
Molecular consequence: missense variant.
Genome position (GRCh38, 1-based): chr8:143,931,562, C>T on the plus strand (G>A on the coding strand, the complement: PLEC is on the minus strand). VCF-style: chr8-143931562-C-T. GRCh37 (hg19) VCF-style: chr8-145005730-C-T.
Other names: c.2357G>A, p.Arg786Gln (NM_000445.5, NM_001410941.1); c.2234G>A, p.Arg745Gln (NM_201378.4); c.2210G>A, p.Arg737Gln (NM_201379.3); c.2687G>A, p.Arg896Gln (NM_201380.4); c.2180G>A, p.Arg727Gln (NM_201381.3); c.2276G>A, p.Arg759Gln (NM_201382.4); c.2288G>A, p.Arg763Gln (NM_201383.3); short protein forms R727Q, R737Q, R745Q, R759Q, R763Q, R786Q, R896Q.
Identifiers: ClinVar variation 3749081 (VCV003749081.2).

ClinVar aggregate classification (germline): Uncertain significance (1 of 4 stars; one submission).

Conditions:
Epidermolysis bullosa simplex with nail dystrophy (EBS5D). Identifiers: MedGen C4225309, MONDO:0014661, OMIM 616487.
Autosomal recessive limb-girdle muscular dystrophy type 2Q (LGMDR17). Also called: MUSCULAR DYSTROPHY, LIMB-GIRDLE, AUTOSOMAL RECESSIVE 17. Identifiers: Orphanet 254361, MedGen C3150989, MONDO:0013390, OMIM 613723.
Epidermolysis bullosa simplex 5B, with muscular dystrophy (EBS5B). Also called: Epidermolysis bullosa simplex with muscular dystrophy; EPIDERMOLYSIS BULLOSA SIMPLEX AND LIMB-GIRDLE MUSCULAR DYSTROPHY. Identifiers: Orphanet 257, MedGen C2931072, MONDO:0009181, OMIM 226670.
Epidermolysis bullosa simplex 5C, with pyloric atresia (EBS5C). Also called: PLEC-Related Epidermolysis Bullosa with Pyloric Atresia; Epidermolysis bullosa simplex with pyloric atresia; PLEC1-Related Epidermolysis Bullosa with Pyloric Atresia. Identifiers: Orphanet 158684, MedGen C2677349, MONDO:0012807, OMIM 612138.
Epidermolysis bullosa simplex, Ogna type (EBS5A). Also called: Pidermolysis bullosa simplex 5A, Ogna type; EPIDERMOLYSIS BULLOSA SIMPLEX 5A, OGNA TYPE. Identifiers: Orphanet 79401, MedGen C0432317, MONDO:0007555, OMIM 131950.

Submission:

Labcorp Genetics (formerly Invitae), Labcorp
Classification: Uncertain significance for Autosomal recessive limb-girdle muscular dystrophy type 2Q; Epidermolysis bullosa simplex, Ogna type; Epidermolysis bullosa simplex with nail dystrophy; Epidermolysis bullosa simplex 5C, with pyloric atresia; Epidermolysis bullosa simplex 5B, with muscular dystrophy. Last evaluated: 2024-12-07. Review status: criteria provided, single submitter. Criteria: Invitae Variant Classification Sherloc (09022015). Collection method: clinical testing. Allele origin: germline.
Comment: This sequence change replaces arginine, which is basic and polar, with glutamine, which is neutral and polar, at codon 786 of the PLEC protein (p.Arg786Gln). The frequency data for this variant in the population databases is considered unreliable, as metrics indicate poor data quality at this position in the gnomAD database. This variant has not been reported in the literature in individuals affected with PLEC-related conditions. Invitae Evidence Modeling of protein sequence and biophysical properties (such as structural, functional, and spatial information, amino acid conservation, physicochemical variation, residue mobility, and thermodynamic stability) indicates that this missense variant is not expected to disrupt PLEC protein function with a negative predictive value of 80%. In summary, the available evidence is currently insufficient to determine the role of this variant in disease. Therefore, it has been classified as a Variant of Uncertain Significance.